The following is an entry in ClinVar:

NM_001374828.1(ARID1B):c.6380G>A (p.Gly2127Glu)

Gene: ARID1B (AT-rich interaction domain 1B; plus strand). Cytogenetic location: 6q25.3.
Variant type: single nucleotide variant.
Coding change: c.6380G>A on transcript NM_001374828.1 (MANE Select); coding-DNA position 6380, G replaced by A.
Protein change: p.Gly2127Glu; replaces glycine 2127 with glutamic acid.
Molecular consequence: missense variant.
Genome position (GRCh38, 1-based): chr6:157,207,152, G>A. VCF-style: chr6-157207152-G-A. GRCh37 (hg19) VCF-style: chr6-157528286-G-A.
Other names: c.3881G>A, p.Gly1294Glu (NM_001363725.2); c.6260G>A, p.Gly2087Glu (NM_001371656.1, NM_001374820.1); c.6221G>A, p.Gly2074Glu (NM_017519.3); c.6011G>A (NM_020732.3); short protein forms G1294E, G2074E, G2087E, G2127E.
Identifiers: ClinVar variation 3367804 (VCV003367804.1).

ClinVar aggregate classification (germline): Uncertain significance (1 of 4 stars; one submission).

gnomAD v4.1: 1 of 1,614,220 alleles (0.000062%); highest among the groups gnomAD compares: Non-Finnish European, 0.000085%; no homozygotes.

Submission:

GeneDx
Classification: Uncertain significance. Last evaluated: 2024-01-10. Review status: criteria provided, single submitter. Criteria: GeneDx Variant Classification Process June 2021. Collection method: clinical testing. Allele origin: germline. Affected: yes.
Comment: Not observed at significant frequency in large population cohorts (gnomAD); In silico analysis supports that this missense variant has a deleterious effect on protein structure/function; Has not been previously published as pathogenic or benign to our knowledge